The following is an entry in ClinVar:

NM_000057.4(BLM):c.1105C>G (p.Gln369Glu)

Gene: BLM (BLM RecQ like helicase; plus strand). Cytogenetic location: 15q26.1.
Variant type: single nucleotide variant.
Coding change: c.1105C>G on transcript NM_000057.4 (MANE Select); coding-DNA position 1105, C replaced by G.
Protein change: p.Gln369Glu; replaces glutamine 369 with glutamic acid.
Molecular consequence: missense variant. On other transcripts: 5 prime UTR variant (1).
Genome position (GRCh38, 1-based): chr15:90,760,164, C>G. VCF-style: chr15-90760164-C-G. GRCh37 (hg19) VCF-style: chr15-91303394-C-G.
Other names: c.1105C>G, p.Gln369Glu (NM_001287246.2, NM_001287247.2); c.-21C>G (NM_001287248.2); short protein forms Q369E.
Identifiers: ClinVar variation 2726987 (VCV002726987.3), dbSNP rs1049658021, ClinGen allele CA274737783.

ClinVar aggregate classification (germline): Uncertain significance (1 of 4 stars; one submission).

Conditions:
Bloom syndrome (BLM). Also called: Bloom-Torre-Machacek syndrome. Identifiers: Orphanet 125, MedGen C0005859, MONDO:0008876, OMIM 210900.

Allele frequency attached by ClinVar (database versions not stated): gnomAD 0.00001; TOPMed 0.00001.
gnomAD v4.1: 1 of 1,609,902 alleles (0.000062%); highest among the groups gnomAD compares: Non-Finnish European, 0.000085%; no homozygotes.

Submission:

Labcorp Genetics (formerly Invitae), Labcorp
Classification: Uncertain significance for Bloom syndrome. Last evaluated: 2023-06-24. Review status: criteria provided, single submitter. Criteria: Invitae Variant Classification Sherloc (09022015). Collection method: clinical testing. Allele origin: germline.
Comment: In summary, the available evidence is currently insufficient to determine the role of this variant in disease. Therefore, it has been classified as a Variant of Uncertain Significance. Algorithms developed to predict the effect of sequence changes on RNA splicing suggest that this variant may disrupt the consensus splice site. Advanced modeling of protein sequence and biophysical properties (such as structural, functional, and spatial information, amino acid conservation, physicochemical variation, residue mobility, and thermodynamic stability) performed at Invitae indicates that this missense variant is not expected to disrupt BLM protein function. This variant has not been reported in the literature in individuals affected with BLM-related conditions. This variant is not present in population databases (gnomAD no frequency). This sequence change replaces glutamine, which is neutral and polar, with glutamic acid, which is acidic and polar, at codon 369 of the BLM protein (p.Gln369Glu).